The following is an entry in ClinVar:

NM_006218.4(PIK3CA):c.32_52del (p.Trp11_Pro18delinsSer)

Gene: PIK3CA (phosphatidylinositol-4,5-bisphosphate 3-kinase catalytic subunit alpha; plus strand). Cytogenetic location: 3q26.32.
Variant type: Deletion.
Coding change: c.32_52del on transcript NM_006218.4 (MANE Select); coding-DNA positions 32 to 52, 21 bases deleted (GGGGCATCCACTTGATGCCCC).
Protein change: p.Trp11_Pro18delinsSer.
Molecular consequence: inframe indel.
Genome position (GRCh38, 1-based): chr3:179,198,857-179,198,877, GGGGCATCCACTTGATGCCCC deleted. VCF-style (leftmost placement, unchanged base first): chr3-179198856-TGGGGCATCCACTTGATGCCCC-T. GRCh37 (hg19) VCF-style: chr3-178916644-TGGGGCATCCACTTGATGCCCC-T.
Identifiers: ClinVar variation 1691323 (VCV001691323.2), dbSNP rs2108385065, ClinGen allele CA2573136770.

ClinVar aggregate classification (germline): Likely pathogenic (1 of 4 stars; one submission).

Submission:

Seattle Children's Hospital Molecular Genetics Laboratory, Seattle Children's Hospital
Classification: Likely pathogenic. Last evaluated: 2021-08-20. Review status: criteria provided, single submitter. Criteria: ACMG Guidelines, 2015. Collection method: clinical testing. Allele origin: somatic. Affected: yes.
Comment: This variant is not reported in the medical literature, control population database (gnomAD v2.1.1) nor in ClinVar or cancer databases (cBioPortal, COSMIC, and NCI's Genomic Data Commons). This variant is a deletion of 21 base pairs predicted to result in the loss of eight amino acids and the insertion of a serine, denoted p.Trp11_Pro18delinsSer. This variant is located within the highly conserved PI3K adaptor-binding domain (ABD) region (UniProt P42336). Although this variant has not been previously reported, deletions in this region have been reported as oncogenic (PMID: 21266528, COSMIC and cBioPortal).